The following is an entry in ClinVar:

NM_015932.6(POMP):c.91C>T (p.Leu31Phe)

Gene: POMP (proteasome maturation protein; plus strand). Cytogenetic location: 13q12.3.
Variant type: single nucleotide variant.
Coding change: c.91C>T on transcript NM_015932.6 (MANE Select); coding-DNA position 91, C replaced by T.
Protein change: p.Leu31Phe; replaces leucine 31 with phenylalanine.
Molecular consequence: missense variant.
Genome position (GRCh38, 1-based): chr13:28,662,497, C>T. VCF-style: chr13-28662497-C-T. GRCh37 (hg19) VCF-style: chr13-29236634-C-T.
Other names: c.91C>T (NM_015932.5); short protein forms L31F.
Identifiers: ClinVar variation 1492095 (VCV001492095.8), dbSNP rs138472024, ClinGen allele CA6931007.
Genomic context (GRCh38, chr13:28,662,497, plus strand): 5'-AAGGACAGTATTCCAGTTACTGAACTTTCAGCAAGTGGACCTTTTGAAAGTCATGATCTT[C>T]TTCGGAAAGGGTATATGGGGGAGTTATGACTTTGATTTTGTTATGTTTCTGTGAATTTTC-3'
Protein context (NP_057016.1, residues 21-41): ASGPFESHDL[Leu31Phe]RKGFSCVKNE

ClinVar aggregate classification (germline): Uncertain significance. Review status: criteria provided, multiple submitters, no conflicts (2 of 4 stars). 3 submissions from 3 submitters: Uncertain significance (3). Last evaluated 2025-10-09.

Conditions:
Keratosis linearis-ichthyosis congenita-sclerosing keratoderma syndrome. Also called: KLICK SYNDROME. Identifiers: Orphanet 281201, MedGen C1866029, MONDO:0011169, OMIM 601952.
Proteasome-associated autoinflammatory syndrome 2. Identifiers: MedGen C4747989, MONDO:0054700, OMIM 618048.
Inborn genetic diseases. Identifiers: MedGen C0950123, MeSH D030342.

Allele frequency attached by ClinVar (database versions not stated): gnomAD exomes 0.00001 and 0.00007; ExAC 0.00008; 1000 Genomes Project 0.00020; TOPMed 0.00023; gnomAD 0.00025 and 0.00026; 1000 Genomes Project 30x 0.00031; ESP Exome Variant Server 0.00054.
gnomAD v4.1: 57 of 1,610,534 alleles (0.0035%); highest among the groups gnomAD compares: African/African-American, 0.057%; no homozygotes.

Submissions (3):

Labcorp Genetics (formerly Invitae), Labcorp
Classification: Uncertain significance. Last evaluated: 2025-10-09. Review status: criteria provided, single submitter. Criteria: Invitae Variant Classification Sherloc (09022015). Collection method: clinical testing. Allele origin: germline.
Comment: This sequence change replaces leucine, which is neutral and non-polar, with phenylalanine, which is neutral and non-polar, at codon 31 of the POMP protein (p.Leu31Phe). This variant is present in population databases (rs138472024, gnomAD 0.07%). This variant has not been reported in the literature in individuals affected with POMP-related conditions. ClinVar contains an entry for this variant (Variation ID: 1492095). An algorithm developed to predict the effect of missense changes on protein structure and function (PolyPhen-2) suggests that this variant is likely to be disruptive. Algorithms developed to predict the effect of sequence changes on RNA splicing suggest that this variant may disrupt the consensus splice site. In summary, the available evidence is currently insufficient to determine the role of this variant in disease. Therefore, it has been classified as a Variant of Uncertain Significance.

Ambry Genetics
Classification: Uncertain significance for Inborn genetic diseases. Last evaluated: 2024-06-07. Review status: criteria provided, single submitter. Criteria: Ambry Variant Classification Scheme 2023. Collection method: clinical testing. Allele origin: germline.

Fulgent Genetics
Classification: Uncertain significance for Keratosis linearis-ichthyosis congenita-sclerosing keratoderma syndrome; Proteasome-associated autoinflammatory syndrome 2. Last evaluated: 2021-08-31. Review status: criteria provided, single submitter. Criteria: ACMG Guidelines, 2015. Collection method: clinical testing. Allele origin: unknown.